The following is an entry in ClinVar:

NC_000016.10:g.55477894C>T

Gene: MMP2 (matrix metallopeptidase 2; plus strand). Cytogenetic location: 16q12.2.
Variant type: single nucleotide variant.
Genome position: GRCh38 VCF-style: chr16-55477894-C-T. GRCh37 (hg19) VCF-style: chr16-55511806-C-T.
Identifiers: ClinVar variation 429032 (VCV000429032.3), dbSNP rs243865, ClinGen allele CA15885220.

ClinVar aggregate classification (germline): association (1 of 4 stars; one submission).

Conditions:
Lip and oral cavity carcinoma. Identifiers: MedGen C0220641, MONDO:0023644.

Allele frequency attached by ClinVar (database versions not stated): 1000 Genomes Project 0.13658; 1000 Genomes Project 30x 0.13835; TOPMed 0.17430; gnomAD 0.18711 and 0.18794.

Submission:

Department of Biological Science, Sunandan Divatia School of Science, NMIMS University
Classification: association for Lip and oral cavity carcinoma. Last evaluated: 2016-01-01. Review status: criteria provided, single submitter. Criteria: Submitter's publication. Collection method: case-control. Allele origin: germline. Inheritance: Oligogenic inheritance. Affected: yes. Observed: 213 variant alleles, 201 heterozygotes, 12 homozygotes. Clinical features observed: Neoplasm of the oral cavity.
Comment: The heterozygous (CT) genotype showed a higher frequency in cases as compared to controls and a significant association was observed with an OR of 1.469 (1.13-1.90). The homozygous WT (CC) genotype indicated decreased risk to oral cancer with an OR 0.669 (0.51-0.86)